The following is an entry in ClinVar:

NM_021620.4(PRDM13):c.358G>C (p.Asp120His)

Gene: PRDM13 (PR/SET domain 13; plus strand). Cytogenetic location: 6q16.2.
Variant type: single nucleotide variant.
Coding change: c.358G>C on transcript NM_021620.4 (MANE Select); coding-DNA position 358, G replaced by C.
Protein change: p.Asp120His; replaces aspartic acid 120 with histidine.
Molecular consequence: missense variant.
Genome position (GRCh38, 1-based): chr6:99,609,268, G>C. VCF-style: chr6-99609268-G-C. GRCh37 (hg19) VCF-style: chr6-100057144-G-C.
Other names: short protein forms D120H.
Identifiers: ClinVar variation 1386021 (VCV001386021.8), dbSNP rs774871635, ClinGen allele CA3936180.

ClinVar aggregate classification (germline): Uncertain significance (1 of 4 stars; one submission).

Allele frequency attached by ClinVar (database versions not stated): ExAC 0.00007.
gnomAD v4.1: 42 of 1,613,810 alleles (0.0026%); highest among the groups gnomAD compares: South Asian, 0.046%; no homozygotes.

Submission:

Labcorp Genetics (formerly Invitae), Labcorp
Classification: Uncertain significance. Last evaluated: 2020-11-05. Review status: criteria provided, single submitter. Criteria: Invitae Variant Classification Sherloc (09022015). Collection method: clinical testing. Allele origin: germline.
Comment: In summary, the available evidence is currently insufficient to determine the role of this variant in disease. Therefore, it has been classified as a Variant of Uncertain Significance. Algorithms developed to predict the effect of missense changes on protein structure and function (SIFT, PolyPhen-2, Align-GVGD) all suggest that this variant is likely to be disruptive, but these predictions have not been confirmed by published functional studies and their clinical significance is uncertain. This variant has not been reported in the literature in individuals with PRDM13-related conditions. This variant is present in population databases (rs774871635, ExAC 0.05%). This sequence change replaces aspartic acid with histidine at codon 120 of the PRDM13 protein (p.Asp120His). The aspartic acid residue is highly conserved and there is a moderate physicochemical difference between aspartic acid and histidine.